The following is an entry in ClinVar:

NM_001379451.1(BCORL1):c.2170G>A (p.Val724Met)

Gene: BCORL1 (BCL6 corepressor like 1; plus strand). Cytogenetic location: Xq26.1.
Variant type: single nucleotide variant.
Coding change: c.2170G>A on transcript NM_001379451.1 (MANE Select); coding-DNA position 2170, G replaced by A.
Protein change: p.Val724Met; replaces valine 724 with methionine.
Molecular consequence: missense variant.
Genome position (GRCh38, 1-based): chrX:130,014,942, G>A. VCF-style: chrX-130014942-G-A. GRCh37 (hg19) VCF-style: chrX-129148918-G-A.
Other names: c.2170G>A, p.Val724Met (NM_001184772.3, NM_001379450.1, NM_001441326.1 and 7 more transcripts); short protein forms V724M.
Identifiers: ClinVar variation 5017490 (VCV005017490.2).

ClinVar aggregate classification (germline): Uncertain significance (1 of 4 stars; one submission).

Submission:

GeneDx
Classification: Uncertain significance. Last evaluated: 2026-10-25. Review status: criteria provided, single submitter. Criteria: GeneDx Variant Classification Process June 2021. Collection method: clinical testing. Allele origin: germline.
Comment: Not observed at significant frequency in large population cohorts (gnomAD); In silico analysis suggests that this missense variant does not alter protein structure/function; Has not been previously published as pathogenic or benign to our knowledge